The following is an entry in ClinVar:

NM_003647.3(DGKE):c.772A>G (p.Ile258Val)

Gene: DGKE (diacylglycerol kinase epsilon; plus strand). Cytogenetic location: 17q22.
Variant type: single nucleotide variant.
Coding change: c.772A>G on transcript NM_003647.3 (MANE Select); coding-DNA position 772, A replaced by G.
Protein change: p.Ile258Val; replaces isoleucine 258 with valine.
Molecular consequence: missense variant.
Genome position (GRCh38, 1-based): chr17:56,847,949, A>G. VCF-style: chr17-56847949-A-G. GRCh37 (hg19) VCF-style: chr17-54925310-A-G.
Other names: short protein forms I258V.
Identifiers: ClinVar variation 1896318 (VCV001896318.5), dbSNP rs943486760, ClinGen allele CA291907665.

ClinVar aggregate classification (germline): Uncertain significance (1 of 4 stars; one submission).

Allele frequency attached by ClinVar (database versions not stated): gnomAD exomes below 0.00001; gnomAD 0.00001; TOPMed 0.00002.
gnomAD v4.1: 3 of 1,583,092 alleles (0.00019%); highest among the groups gnomAD compares: African/African-American, 0.0041%; no homozygotes.

Submission:

Labcorp Genetics (formerly Invitae), Labcorp
Classification: Uncertain significance. Last evaluated: 2025-12-08. Review status: criteria provided, single submitter. Criteria: Invitae Variant Classification Sherloc (09022015). Collection method: clinical testing. Allele origin: germline.
Comment: This sequence change replaces isoleucine, which is neutral and non-polar, with valine, which is neutral and non-polar, at codon 258 of the DGKE protein (p.Ile258Val). This variant is present in population databases (no rsID available, gnomAD 0.02%). This variant has not been reported in the literature in individuals affected with DGKE-related conditions. ClinVar contains an entry for this variant (Variation ID: 1896318). Invitae Evidence Modeling of protein sequence and biophysical properties (such as structural, functional, and spatial information, amino acid conservation, physicochemical variation, residue mobility, and thermodynamic stability) indicates that this missense variant is not expected to disrupt DGKE protein function with a negative predictive value of 80%. In summary, the available evidence is currently insufficient to determine the role of this variant in disease. Therefore, it has been classified as a Variant of Uncertain Significance.